The following is an entry in ClinVar:

NM_003119.4(SPG7):c.50C>A (p.Pro17Gln)

Genes: SPG7 (SPG7 matrix AAA peptidase subunit, paraplegin; plus strand), LOC130059818 (ATAC-STARR-seq lymphoblastoid silent region 7911; plus strand). Cytogenetic location: 16q24.3.
Variant type: single nucleotide variant.
Coding change: c.50C>A on transcript NM_003119.4 (MANE Select); coding-DNA position 50, C replaced by A.
Protein change: p.Pro17Gln; replaces proline 17 with glutamine.
Molecular consequence: missense variant.
Genome position (GRCh38, 1-based): chr16:89,508,467, C>A. VCF-style: chr16-89508467-C-A. GRCh37 (hg19) VCF-style: chr16-89574875-C-A.
Other names: c.50C>A, p.Pro17Gln (NM_001363850.1, NM_199367.3); short protein forms P17Q.
Identifiers: ClinVar variation 1049833 (VCV001049833.1), dbSNP rs956304326, ClinGen allele CA397415889.

ClinVar aggregate classification (germline): Uncertain significance (0 of 4 stars; one submission).

Submission:

Department of Pathology and Laboratory Medicine, Sinai Health System
Classification: Uncertain significance. Review status: no assertion criteria provided. Collection method: clinical testing. Allele origin: unknown. Affected: yes. Study: The Canadian Open Genetics Repository (COGR).
Comment: The SPG7 p.Pro17Gln variant was not identified in the literature nor was it identified in dbSNP, ClinVar, Cosmic, or LOVD 3.0. The variant was not identified in the following control databases: the 1000 Genomes Project, the Exome Aggregation Consortium (August 8th 2016), or the Genome Aggregation Database (Feb 27, 2017). The p.Pro17 residue is not conserved in mammals and four out of five computational analyses (PolyPhen-2, SIFT, AlignGVGD, MutationTaster) do not suggest a high likelihood of impact to the protein; however, this information is not predictive enough to rule out pathogenicity. The variant occurs outside of the splicing consensus sequence and 3 of 4 in silico or computational prediction software programs (MaxEntScan, NNSPLICE, GeneSplicer) do not predict a difference in splicing. In summary, based on the above information the clinical significance of this variant cannot be determined with certainty at this time. This variant is classified as a variant of uncertain significance.